The following is an entry in ClinVar:

NM_000038.6(APC):c.2790A>G (p.Thr930=)

Gene: APC (APC regulator of Wnt signaling pathway; plus strand). Cytogenetic location: 5q22.2.
Variant type: single nucleotide variant.
Coding change: c.2790A>G on transcript NM_000038.6 (MANE Select); coding-DNA position 2790, A replaced by G.
Protein change: p.Thr930=; no amino-acid change (threonine 930 retained).
Molecular consequence: synonymous variant. On other transcripts: non-coding transcript variant (2).
Genome position (GRCh38, 1-based): chr5:112,838,384, A>G. VCF-style: chr5-112838384-A-G. GRCh37 (hg19) VCF-style: chr5-112174081-A-G.
Other names: c.2790A>G, p.Thr930= (NM_001127510.3, NM_001354895.2, NM_001407450.1); c.2736A>G, p.Thr912= (NM_001127511.3); c.2844A>G, p.Thr948= (NM_001354896.2, NM_001407447.1, NM_001407448.1 and 1 more transcripts); c.2820A>G, p.Thr940= (NM_001354897.2); c.2715A>G, p.Thr905= (NM_001354898.2); c.2706A>G, p.Thr902= (NM_001354899.2); c.2667A>G, p.Thr889= (NM_001354900.2); c.2613A>G, p.Thr871= (NM_001354901.2, NM_001407453.1); and 11 more.
Identifiers: ClinVar variation 3148140 (VCV003148140.2), dbSNP rs2149877460, ClinGen allele CA445962884.
Genomic context (GRCh38, chr5:112,838,384, plus strand): 5'-TGAATTACATTGTGTGACAGATGAGAGAAATGCACTTAGAAGAAGCTCTGCTGCCCATAC[A>G]CATTCAAACACTTACAATTTCACTAAGTCGGAAAATTCAAATAGGACATGTTCTATGCCT-3'
Protein context (NP_000029.2, residues 920-940): NALRRSSAAH[Thr930=]HSNTYNFTKS

ClinVar aggregate classification (germline): Benign/Likely benign. Review status: criteria provided, multiple submitters, no conflicts (2 of 4 stars). 2 submissions from 2 submitters: Benign (1); Likely benign (1). Last evaluated 2025-09-13.

Conditions:
Familial adenomatous polyposis 1 (FAP1). Also called: POLYPOSIS, ADENOMATOUS INTESTINAL; FAMILIAL ADENOMATOUS POLYPOSIS 1, ATTENUATED. Identifiers: MedGen C2713442, MONDO:0021056, OMIM 175100. Disease mechanism: loss of function.

Allele frequency attached by ClinVar (database versions not stated): gnomAD exomes below 0.00001.
gnomAD v4.1: 1 of 1,614,198 alleles (0.000062%); highest among the groups gnomAD compares: Non-Finnish European, 0.000085%; no homozygotes.

Submissions (2):

Labcorp Genetics (formerly Invitae), Labcorp
Classification: Likely benign for Familial adenomatous polyposis 1. Last evaluated: 2025-09-13. Review status: criteria provided, single submitter. Criteria: Invitae Variant Classification Sherloc (09022015). Collection method: clinical testing. Allele origin: germline.

Myriad Genetics, Inc.
Classification: Benign for Familial adenomatous polyposis 1. Last evaluated: 2024-03-15. Review status: criteria provided, single submitter. Criteria: Myriad Autosomal Dominant, Autosomal Recessive and X-Linked Classification Criteria (2023). Collection method: clinical testing. Allele origin: unknown.
Comment: This variant is considered benign. This variant is a silent/synonymous amino acid change and it is not expected to impact splicing.